The following is an entry in ClinVar:

NM_005502.4(ABCA1):c.268G>T (p.Ala90Ser)

Gene: ABCA1 (ATP binding cassette subfamily A member 1; minus strand). Cytogenetic location: 9q31.1.
Variant type: single nucleotide variant.
Coding change: c.268G>T on transcript NM_005502.4 (MANE Select); coding-DNA position 268, G replaced by T.
Protein change: p.Ala90Ser; replaces alanine 90 with serine.
Molecular consequence: missense variant.
Genome position (GRCh38, 1-based): chr9:104,884,461, C>A on the plus strand (G>T on the coding strand, the complement: ABCA1 is on the minus strand). VCF-style: chr9-104884461-C-A. GRCh37 (hg19) VCF-style: chr9-107646742-C-A.
Other names: short protein forms A90S.
Identifiers: ClinVar variation 4236291 (VCV004236291.1).

ClinVar aggregate classification (germline): Uncertain significance (1 of 4 stars; one submission).

Conditions:
Cardiovascular phenotype. Identifiers: MedGen CN230736.

Submission:

Ambry Genetics
Classification: Uncertain significance for Cardiovascular phenotype. Last evaluated: 2025-08-30. Review status: criteria provided, single submitter. Criteria: Ambry Variant Classification Scheme 2023. Collection method: clinical testing. Allele origin: germline.
Comment: The p.A90S variant (also known as c.268G>T), located in coding exon 3 of the ABCA1 gene, results from a G to T substitution at nucleotide position 268. The alanine at codon 90 is replaced by serine, an amino acid with similar properties. This amino acid position is conserved. In addition, this alteration is predicted to be tolerated by in silico analysis. Based on the available evidence, the clinical significance of this variant remains unclear.